The following is an entry in ClinVar:

NM_003072.5(SMARCA4):c.3212A>G (p.Gln1071Arg)

Gene: SMARCA4 (SWI/SNF related BAF chromatin remodeling complex subunit ATPase 4; plus strand). Cytogenetic location: 19p13.2.
Variant type: single nucleotide variant.
Coding change: c.3212A>G on transcript NM_003072.5 (MANE Select); coding-DNA position 3212, A replaced by G.
Protein change: p.Gln1071Arg; replaces glutamine 1071 with arginine.
Molecular consequence: missense variant. On other transcripts: non-coding transcript variant (1).
Genome position (GRCh38, 1-based): chr19:11,026,343, A>G. VCF-style: chr19-11026343-A-G. GRCh37 (hg19) VCF-style: chr19-11137019-A-G.
Other names: c.3212A>G, p.Gln1071Arg (NM_001128844.3, NM_001128845.2, NM_001128846.2 and 6 more transcripts); short protein forms Q1071R.
Identifiers: ClinVar variation 3632039 (VCV003632039.2).

ClinVar aggregate classification (germline): Uncertain significance (1 of 4 stars; one submission).

Conditions:
Rhabdoid tumor predisposition syndrome 2 (RTPS2). Identifiers: Orphanet 231108, Orphanet 69077, MedGen C2750074, MONDO:0013224, OMIM 613325.

Submission:

Labcorp Genetics (formerly Invitae), Labcorp
Classification: Uncertain significance for Rhabdoid tumor predisposition syndrome 2. Last evaluated: 2024-04-04. Review status: criteria provided, single submitter. Criteria: Invitae Variant Classification Sherloc (09022015). Collection method: clinical testing. Allele origin: germline.
Comment: This sequence change replaces glutamine, which is neutral and polar, with arginine, which is basic and polar, at codon 1071 of the SMARCA4 protein (p.Gln1071Arg). This variant is not present in population databases (gnomAD no frequency). This variant has not been reported in the literature in individuals affected with SMARCA4-related conditions. Advanced modeling of protein sequence and biophysical properties (such as structural, functional, and spatial information, amino acid conservation, physicochemical variation, residue mobility, and thermodynamic stability) performed at Invitae indicates that this missense variant is not expected to disrupt SMARCA4 protein function with a negative predictive value of 95%. In summary, the available evidence is currently insufficient to determine the role of this variant in disease. Therefore, it has been classified as a Variant of Uncertain Significance.